The following is an entry in ClinVar:

ClinVar aggregate classification (germline): Uncertain significance. Review status: criteria provided, multiple submitters, no conflicts (2 of 4 stars). 2 submissions from 2 submitters: Uncertain significance (2). Last evaluated 2024-06-14.

Conditions:
Hereditary cancer-predisposing syndrome. Also called: Neoplastic Syndromes, Hereditary; Hereditary neoplastic syndrome; Tumor predisposition; Hereditary Cancer Syndrome. Identifiers: Orphanet 140162, MedGen C0027672, MeSH D009386, MONDO:0015356.

Submissions (2):

Labcorp Genetics (formerly Invitae), Labcorp
Classification: Uncertain significance. Last evaluated: 2024-06-14. Review status: criteria provided, single submitter. Criteria: Invitae Variant Classification Sherloc (09022015). Collection method: clinical testing. Allele origin: germline.
Comment: This sequence change falls in intron 8 of the FH gene. It does not directly change the encoded amino acid sequence of the FH protein. It affects a nucleotide within the consensus splice site. This variant is not present in population databases (gnomAD no frequency). This variant has not been reported in the literature in individuals affected with FH-related conditions. Variants that disrupt the consensus splice site are a relatively common cause of aberrant splicing (PMID: 17576681, 9536098). Algorithms developed to predict the effect of sequence changes on RNA splicing suggest that this variant is not likely to affect RNA splicing. In summary, the available evidence is currently insufficient to determine the role of this variant in disease. Therefore, it has been classified as a Variant of Uncertain Significance.

Ambry Genetics
Classification: Uncertain significance for Hereditary cancer-predisposing syndrome. Last evaluated: 2024-02-14. Review status: criteria provided, single submitter. Criteria: Ambry Variant Classification Scheme 2023. Collection method: clinical testing. Allele origin: germline.
Comment: The c.1236+4dupA intronic variant, results from a duplication of two nucleotides at nucleotide position 1236 after intron 8 of the FH gene. This nucleotide position is well conserved in available vertebrate species. In silico splice site analysis predicts that this alteration will not have any significant effect on splicing; however, direct evidence is insufficient at this time (Ambry internal data). Based on the available evidence, the clinical significance of this alteration remains unclear.

Literature cited by the submitters: PubMed 17576681 (cited by Labcorp Genetics (formerly Invitae), Labcorp); PubMed 9536098 (cited by Labcorp Genetics (formerly Invitae), Labcorp).

NM_000143.4(FH):c.1236+4dup

Gene: FH (fumarate hydratase; minus strand). Cytogenetic location: 1q43.
Variant type: Duplication.
Coding change: c.1236+4dup on transcript NM_000143.4 (MANE Select); 4 bases into the intron after coding-DNA position 1236, one base duplicated (A; older notation c.1236+4dupA).
Molecular consequence: intron variant.
Genome position (GRCh38, 1-based): chr1:241,502,439, T duplicated on the plus strand (A on the coding strand, the reverse complement: FH is on the minus strand); the first of 2 consecutive T bases (chr1:241,502,439-241,502,440); duplicating either gives the same sequence. VCF-style (leftmost placement, unchanged base first): chr1-241502438-C-CT. GRCh37 (hg19) VCF-style: chr1-241665738-C-CT.
Other names: c.1236+4dupA (NM_000143.3).
Identifiers: ClinVar variation 2899760 (VCV002899760.4), dbSNP rs1331273989, ClinGen allele CA733680025.